The following is an entry in ClinVar:

NM_005475.3(SH2B3):c.1064C>G (p.Thr355Arg)

Gene: SH2B3 (SH2B adaptor protein 3; plus strand). Cytogenetic location: 12q24.12.
Variant type: single nucleotide variant.
Coding change: c.1064C>G on transcript NM_005475.3 (MANE Select); coding-DNA position 1064, C replaced by G.
Protein change: p.Thr355Arg; replaces threonine 355 with arginine.
Molecular consequence: missense variant.
Genome position (GRCh38, 1-based): chr12:111,447,372, C>G. VCF-style: chr12-111447372-C-G. GRCh37 (hg19) VCF-style: chr12-111885176-C-G.
Other names: c.458C>G, p.Thr153Arg (NM_001291424.1); short protein forms T355R, T153R.
Identifiers: ClinVar variation 3953356 (VCV003953356.1).
Genomic context (GRCh38, chr12:111,447,372, plus strand): 5'-ACCCATCTTATCTAACAGGTGCTTCTCCTGGGGGGCTGCTGGACCCGGCCTGCCAGAAGA[C>G]GGACCATTTCCTGTCCTGCTACCCCTGGTTCCACGGCCCCATCTCCAGAGTGAAAGCAGC-3'
Protein context (NP_005466.1, residues 345-365): GGLLDPACQK[Thr355Arg]DHFLSCYPWF

ClinVar aggregate classification (germline): Uncertain significance (1 of 4 stars; one submission).

Conditions:
Inborn genetic diseases. Identifiers: MedGen C0950123, MeSH D030342.

Submission:

Ambry Genetics
Classification: Uncertain significance for Inborn genetic diseases. Last evaluated: 2025-03-15. Review status: criteria provided, single submitter. Criteria: Ambry Variant Classification Scheme 2023. Collection method: clinical testing. Allele origin: germline.
Comment: The p.T355R variant (also known as c.1064C>G), located in coding exon 5 of the SH2B3 gene, results from a C to G substitution at nucleotide position 1064. The threonine at codon 355 is replaced by arginine, an amino acid with similar properties. This amino acid position is conserved. In addition, the in silico prediction for this alteration is inconclusive. Based on the available evidence, the clinical significance of this variant remains unclear.